The following is an entry in ClinVar:

NM_000089.4(COL1A2):c.2038G>A (p.Ala680Thr)

Gene: COL1A2 (collagen type I alpha 2 chain; plus strand). Cytogenetic location: 7q21.3.
Variant type: single nucleotide variant.
Coding change: c.2038G>A on transcript NM_000089.4 (MANE Select); coding-DNA position 2038, G replaced by A.
Protein change: p.Ala680Thr; replaces alanine 680 with threonine.
Molecular consequence: missense variant.
Genome position (GRCh38, 1-based): chr7:94,419,510, G>A. VCF-style: chr7-94419510-G-A. GRCh37 (hg19) VCF-style: chr7-94048822-G-A.
Other names: short protein forms A680T.
Identifiers: ClinVar variation 4853528 (VCV004853528.1).
Genomic context (GRCh38, chr7:94,419,510, plus strand): 5'-GATGATACGGGGTGTTATTAATAAGACATGTTTCCTTTTTGGTACTAGGGTGCTCCTGGT[G>A]CTGTAGGTGCCCCTGGTCCTGCTGGAGCCACAGGTGACCGGGTAAGCATGCATTTTCACT-3'
Protein context (NP_000080.2, residues 670-690): GRDGARGAPG[Ala680Thr]VGAPGPAGAT

ClinVar aggregate classification (germline): Uncertain significance (1 of 4 stars; one submission).

gnomAD v4.1: 2 of 1,614,098 alleles (0.00012%); highest among the groups gnomAD compares: Non-Finnish European, 0.00017%; no homozygotes.

Submission:

Women's Health and Genetics/Laboratory Corporation of America, LabCorp
Classification: Uncertain significance. Last evaluated: 2026-05-06. Review status: criteria provided, single submitter. Criteria: LabCorp Variant Classification Summary - May 2015. Collection method: clinical testing. Allele origin: germline.
Comment: Variant summary: COL1A2 c.2038G>A (p.Ala680Thr) results in a non-conservative amino acid change in the encoded protein sequence. Algorithms developed to predict the effect of missense changes on protein structure and function all suggest that this variant is likely to be disruptive. The variant allele was found at a frequency of 4e-06 in 251430 control chromosomes. The available data on variant occurrences in the general population are insufficient to allow any conclusion about variant significance. To our knowledge, no occurrence of c.2038G>A in individuals affected with COL1A2-related conditions and no experimental evidence demonstrating its impact on protein function have been reported. No submitters have cited clinical-significance assessments for this variant to ClinVar. Based on the evidence outlined above, the variant was classified as uncertain significance.